The following is an entry in ClinVar:

NM_000018.4(ACADVL):c.862T>A (p.Phe288Ile)

Gene: ACADVL (acyl-CoA dehydrogenase very long chain; plus strand). Cytogenetic location: 17p13.1.
Variant type: single nucleotide variant.
Coding change: c.862T>A on transcript NM_000018.4 (MANE Select); coding-DNA position 862, T replaced by A.
Protein change: p.Phe288Ile; replaces phenylalanine 288 with isoleucine.
Molecular consequence: missense variant.
Genome position (GRCh38, 1-based): chr17:7,222,286, T>A. VCF-style: chr17-7222286-T-A. GRCh37 (hg19) VCF-style: chr17-7125605-T-A.
Other names: c.796T>A, p.Phe266Ile (NM_001033859.3); c.931T>A, p.Phe311Ile (NM_001270447.2); c.634T>A, p.Phe212Ile (NM_001270448.2); short protein forms F266I, F288I, F212I, F311I.
Identifiers: ClinVar variation 1463587 (VCV001463587.6), dbSNP rs1209359519, ClinGen allele CA397723841.

ClinVar aggregate classification (germline): Uncertain significance. Review status: criteria provided, multiple submitters, no conflicts (2 of 4 stars). 2 submissions from 2 submitters: Uncertain significance (2). Last evaluated 2025-02-12.

Conditions:
Very long chain acyl-CoA dehydrogenase deficiency (ACADVLD). Also called: Very Long-Chain Acyl-Coenzyme A Dehydrogenase Deficiency; VLCAD Deficiency. Identifiers: Orphanet 26793, MedGen C3887523, MONDO:0008723, OMIM 201475.

Allele frequency attached by ClinVar (database versions not stated): gnomAD exomes below 0.00001; gnomAD 0.00001; TOPMed 0.00001.
gnomAD v4.1: 2 of 1,613,830 alleles (0.00012%); highest among the groups gnomAD compares: African/African-American, 0.0027%; no homozygotes.

Submissions (2):

Women's Health and Genetics/Laboratory Corporation of America, LabCorp
Classification: Uncertain significance. Last evaluated: 2025-02-12. Review status: criteria provided, single submitter. Criteria: LabCorp Variant Classification Summary - May 2015. Collection method: clinical testing. Allele origin: germline.

Labcorp Genetics (formerly Invitae), Labcorp
Classification: Uncertain significance for Very long chain acyl-CoA dehydrogenase deficiency. Last evaluated: 2021-08-13. Review status: criteria provided, single submitter. Criteria: Invitae Variant Classification Sherloc (09022015). Collection method: clinical testing. Allele origin: germline.
Comment: This sequence change replaces phenylalanine with isoleucine at codon 288 of the ACADVL protein (p.Phe288Ile). The phenylalanine residue is highly conserved and there is a small physicochemical difference between phenylalanine and isoleucine. This variant is not present in population databases (ExAC no frequency). This missense change has been observed in individual(s) with a positive newborn screening result for ACADVL-related disease (Invitae). Algorithms developed to predict the effect of missense changes on protein structure and function are either unavailable or do not agree on the potential impact of this missense change (SIFT: "Deleterious"; PolyPhen-2: "Probably Damaging"; Align-GVGD: "Class C15"). In summary, the available evidence is currently insufficient to determine the role of this variant in disease. Therefore, it has been classified as a Variant of Uncertain Significance.